The following is an entry in ClinVar:

ClinVar aggregate classification (germline): Conflicting classifications of pathogenicity. Review status: criteria provided, conflicting classifications (1 of 4 stars). 4 submissions from 4 submitters: Uncertain significance (1); Likely benign (3). Last evaluated 2025-12-23.

Conditions:
Left ventricular noncompaction 8 (LVNC8). Identifiers: Orphanet 154, Orphanet 54260, MedGen C3809288, MONDO:0014152, OMIM 615373.

Allele frequency attached by ClinVar (database versions not stated): ESP Exome Variant Server 0.00008; TOPMed 0.00008; gnomAD 0.00016 and 0.00017; gnomAD exomes 0.00016; ExAC 0.00022.
gnomAD v4.1: 210 of 1,611,094 alleles (0.013%); highest among the groups gnomAD compares: South Asian, 0.015%; no homozygotes.

Submissions (4):

Women's Health and Genetics/Laboratory Corporation of America, LabCorp
Classification: Likely benign. Last evaluated: 2025-12-23. Review status: criteria provided, single submitter. Criteria: LabCorp Variant Classification Summary - May 2015. Collection method: clinical testing. Allele origin: germline.
Comment: Variant summary: PRDM16 c.2691+5G>A alters a nucleotide located close to a canonical splice site and therefore could affect mRNA splicing, leading to a significantly altered protein sequence. Several computational tools predict a significant impact on normal splicing: Three predict the variant weakens a 5' donor site. One predict the variant no significant impact on splicing. However, these predictions have yet to be confirmed by functional studies. The variant allele was found at a frequency of 0.00016 in 242496 control chromosomes. The observed variant frequency exceeds the estimated maximal expected allele frequency for disease-causing variants in PRDM16. To our knowledge, no occurrence of c.2691+5G>A in individuals affected with PRDM16-related conditions and no experimental evidence demonstrating its impact on protein function have been reported. ClinVar contains an entry for this variant (Variation ID: 390179). Based on the evidence outlined above, the variant was classified as likely benign.

Labcorp Genetics (formerly Invitae), Labcorp
Classification: Uncertain significance for Left ventricular noncompaction 8. Last evaluated: 2025-10-18. Review status: criteria provided, single submitter. Criteria: Invitae Variant Classification Sherloc (09022015). Collection method: clinical testing. Allele origin: germline.
Comment: This sequence change falls in intron 10 of the PRDM16 gene. It does not directly change the encoded amino acid sequence of the PRDM16 protein. It affects a nucleotide within the consensus splice site. This variant is present in population databases (rs375994227, gnomAD 0.03%). This variant has not been reported in the literature in individuals affected with PRDM16-related conditions. ClinVar contains an entry for this variant (Variation ID: 390179). Variants that disrupt the consensus splice site are a relatively common cause of aberrant splicing (PMID: 17576681, 9536098). Algorithms developed to predict the effect of sequence changes on RNA splicing suggest that this variant is not likely to affect RNA splicing. In summary, the available evidence is currently insufficient to determine the role of this variant in disease. Therefore, it has been classified as a Variant of Uncertain Significance.

Blueprint Genetics
Classification: Likely benign. Last evaluated: 2024-10-11. Review status: criteria provided, single submitter. Criteria: ACMG Guidelines, 2015. Collection method: clinical testing. Allele origin: germline.

GeneDx
Classification: Likely benign. Last evaluated: 2017-09-13. Review status: criteria provided, single submitter. Criteria: GeneDx Variant Classification (06012015). Collection method: clinical testing. Allele origin: germline. Affected: yes.
Comment: This variant is considered likely benign or benign based on one or more of the following criteria: it is a conservative change, it occurs at a poorly conserved position in the protein, it is predicted to be benign by multiple in silico algorithms, and/or has population frequency not consistent with disease.

Literature cited by the submitters: PubMed 17576681 (cited by Labcorp Genetics (formerly Invitae), Labcorp); PubMed 9536098 (cited by Labcorp Genetics (formerly Invitae), Labcorp).

NM_022114.4(PRDM16):c.2691+5G>A

Gene: PRDM16 (PR/SET domain 16; plus strand). Cytogenetic location: 1p36.32.
Variant type: single nucleotide variant.
Coding change: c.2691+5G>A on transcript NM_022114.4 (MANE Select); 5 bases into the intron after coding-DNA position 2691, G replaced by A.
Molecular consequence: intron variant.
Genome position (GRCh38, 1-based): chr1:3,414,652, G>A. VCF-style: chr1-3414652-G-A. GRCh37 (hg19) VCF-style: chr1-3331216-G-A.
Other names: c.2691+5G>A (NM_199454.3).
Identifiers: ClinVar variation 390179 (VCV000390179.10), dbSNP rs375994227, ClinGen allele CA544565.